The following is an entry in ClinVar:

NM_138295.5(PKD1L1):c.7316del (p.Glu2439fs)

Genes: PKD1L1 (polycystin 1 like 1, transient receptor potential channel interacting; minus strand), PKD1L1-AS1 (PKD1L1 antisense RNA 1; plus strand). Cytogenetic location: 7p12.3.
Variant type: Deletion.
Coding change: c.7316del on transcript NM_138295.5 (MANE Select); coding-DNA position 7316, one base deleted (A; older notation c.7316delA).
Protein change: p.Glu2439fs; shifts the reading frame from glutamic acid 2439.
Molecular consequence: frameshift variant.
Genome position (GRCh38, 1-based): chr7:47,813,151, T deleted on the plus strand (A on the coding strand, the reverse complement: PKD1L1 is on the minus strand). VCF-style (leftmost placement, unchanged base first): chr7-47813150-CT-C. GRCh37 (hg19) VCF-style: chr7-47852748-CT-C.
Other names: short protein forms E2439fs.
Identifiers: ClinVar variation 4717006 (VCV004717006.1).

ClinVar aggregate classification (germline): Pathogenic (1 of 4 stars; one submission).

Submission:

Labcorp Genetics (formerly Invitae), Labcorp
Classification: Pathogenic. Last evaluated: 2025-04-09. Review status: criteria provided, single submitter. Criteria: Invitae Variant Classification Sherloc (09022015). Collection method: clinical testing. Allele origin: germline.
Comment: This sequence change creates a premature translational stop signal (p.Glu2439Glyfs*53) in the PKD1L1 gene. It is expected to result in an absent or disrupted protein product. Loss-of-function variants in PKD1L1 are known to be pathogenic (PMID: 27616478). This variant is not present in population databases (gnomAD no frequency). This variant has not been reported in the literature in individuals affected with PKD1L1-related conditions. Algorithms developed to predict the effect of sequence changes on RNA splicing suggest that this variant may disrupt the consensus splice site. For these reasons, this variant has been classified as Pathogenic.

Literature cited by the submitters: PubMed 27616478.